The following is an entry in ClinVar:

NM_019109.5(ALG1):c.539+9C>G

Gene: ALG1 (ALG1 chitobiosyldiphosphodolichol beta-mannosyltransferase; plus strand). Cytogenetic location: 16p13.3.
Variant type: single nucleotide variant.
Coding change: c.539+9C>G on transcript NM_019109.5 (MANE Select); 9 bases into the intron after coding-DNA position 539, C replaced by G.
Molecular consequence: intron variant.
Genome position (GRCh38, 1-based): chr16:5,075,545, C>G. VCF-style: chr16-5075545-C-G. GRCh37 (hg19) VCF-style: chr16-5125546-C-G.
Other names: c.206+9C>G (NM_001330504.2).
Identifiers: ClinVar variation 2001955 (VCV002001955.4), dbSNP rs2505854176, ClinGen allele CA2575903384.

ClinVar aggregate classification (germline): Uncertain significance (1 of 4 stars; one submission).

Conditions:
ALG1-congenital disorder of glycosylation. Also called: ALG1-CDG; CDG Ik; CONGENITAL DISORDER OF GLYCOSYLATION, TYPE Ik. Identifiers: Orphanet 79327, MedGen C2931005, MONDO:0012052, OMIM 608540.

Submission:

Labcorp Genetics (formerly Invitae), Labcorp
Classification: Uncertain significance for ALG1-congenital disorder of glycosylation. Last evaluated: 2022-06-02. Review status: criteria provided, single submitter. Criteria: Invitae Variant Classification Sherloc (09022015). Collection method: clinical testing. Allele origin: germline.
Comment: In summary, the available evidence is currently insufficient to determine the role of this variant in disease. Therefore, it has been classified as a Variant of Uncertain Significance. Algorithms developed to predict the effect of sequence changes on RNA splicing suggest that this variant may disrupt the consensus splice site. This variant has not been reported in the literature in individuals affected with ALG1-related conditions. This variant is not present in population databases (gnomAD no frequency). This sequence change falls in intron 4 of the ALG1 gene. It does not directly change the encoded amino acid sequence of the ALG1 protein.